The following is an entry in ClinVar:

ClinVar aggregate classification (germline): Uncertain significance (1 of 4 stars; one submission).

Conditions:
Neurodevelopmental disorder with or without hyperkinetic movements and seizures, autosomal dominant. Also called: Intellectual disability, autosomal dominant 8. Identifiers: MedGen C3280282, MONDO:0013655, OMIM 614254.

Submission:

Labcorp Genetics (formerly Invitae), Labcorp
Classification: Uncertain significance for Neurodevelopmental disorder with or without hyperkinetic movements and seizures, autosomal dominant. Last evaluated: 2023-10-03. Review status: criteria provided, single submitter. Criteria: Invitae Variant Classification Sherloc (09022015). Collection method: clinical testing. Allele origin: germline.
Comment: This sequence change affects codon 362 of the GRIN1 mRNA. It is a 'silent' change, meaning that it does not change the encoded amino acid sequence of the GRIN1 protein. This variant is not present in population databases (gnomAD no frequency). This variant has not been reported in the literature in individuals affected with GRIN1-related conditions. Algorithms developed to predict the effect of sequence changes on RNA splicing suggest that this variant may create or strengthen a splice site. In summary, the available evidence is currently insufficient to determine the role of this variant in disease. Therefore, it has been classified as a Variant of Uncertain Significance.

NM_007327.4(GRIN1):c.1086G>A (p.Val362=)

Gene: GRIN1 (glutamate ionotropic receptor NMDA type subunit 1; plus strand). Cytogenetic location: 9q34.3.
Variant type: single nucleotide variant.
Coding change: c.1086G>A on transcript NM_007327.4 (MANE Select); coding-DNA position 1086, G replaced by A.
Protein change: p.Val362=; no amino-acid change (valine 362 retained).
Molecular consequence: synonymous variant.
Genome position (GRCh38, 1-based): chr9:137,158,496, G>A. VCF-style: chr9-137158496-G-A. GRCh37 (hg19) VCF-style: chr9-140052948-G-A.
Other names: c.1086G>A, p.Val362= (NM_000832.7, NM_021569.4); c.1149G>A, p.Val383= (NM_001185090.2, NM_001185091.2).
Identifiers: ClinVar variation 2832560 (VCV002832560.3), dbSNP rs2538608746, ClinGen allele CA467790059.